The following is an entry in ClinVar:

ClinVar aggregate classification (germline): Uncertain significance. Review status: criteria provided, multiple submitters, no conflicts (2 of 4 stars). 2 submissions from 2 submitters: Uncertain significance (2). Last evaluated 2025-11-29.

Conditions:
POLD1-related polyposis and colorectal cancer syndrome (CRCS10). Also called: Colorectal cancer 10; Colorectal cancer, susceptibility to, 10; COLORECTAL CANCER, SUSCEPTIBILITY TO, ON CHROMOSOME 19q. Identifiers: Orphanet 220460, MedGen C2675481, MONDO:0012953, OMIM 612591.
Hereditary cancer-predisposing syndrome. Also called: Tumor predisposition; Hereditary Cancer Syndrome; Hereditary neoplastic syndrome; Neoplastic Syndromes, Hereditary. Identifiers: Orphanet 140162, MedGen C0027672, MeSH D009386, MONDO:0015356.

Submissions (2):

Ambry Genetics
Classification: Uncertain significance for Hereditary cancer-predisposing syndrome. Last evaluated: 2025-11-29. Review status: criteria provided, single submitter. Criteria: Ambry Variant Classification Scheme 2023. Collection method: clinical testing. Allele origin: germline.
Comment: The p.M772T variant (also known as c.2315T>C), located in coding exon 18 of the POLD1 gene, results from a T to C substitution at nucleotide position 2315. The methionine at codon 772 is replaced by threonine, an amino acid with similar properties. This amino acid position is conserved. In addition, the in silico prediction for this alteration is inconclusive. Based on the available evidence, the clinical significance of this variant remains unclear.

Labcorp Genetics (formerly Invitae), Labcorp
Classification: Uncertain significance for POLD1-related polyposis and colorectal cancer syndrome. Last evaluated: 2023-09-19. Review status: criteria provided, single submitter. Criteria: Invitae Variant Classification Sherloc (09022015). Collection method: clinical testing. Allele origin: germline.
Comment: This sequence change replaces methionine, which is neutral and non-polar, with threonine, which is neutral and polar, at codon 772 of the POLD1 protein (p.Met772Thr). In summary, the available evidence is currently insufficient to determine the role of this variant in disease. Therefore, it has been classified as a Variant of Uncertain Significance. Advanced modeling of protein sequence and biophysical properties (such as structural, functional, and spatial information, amino acid conservation, physicochemical variation, residue mobility, and thermodynamic stability) performed at Invitae indicates that this missense variant is expected to disrupt POLD1 protein function. This variant has not been reported in the literature in individuals affected with POLD1-related conditions. This variant is not present in population databases (gnomAD no frequency).

NM_002691.4(POLD1):c.2315T>C (p.Met772Thr)

Gene: POLD1 (DNA polymerase delta 1, catalytic subunit; plus strand). Cytogenetic location: 19q13.33.
Variant type: single nucleotide variant.
Coding change: c.2315T>C on transcript NM_002691.4 (MANE Select); coding-DNA position 2315, T replaced by C.
Protein change: p.Met772Thr; replaces methionine 772 with threonine.
Molecular consequence: missense variant. On other transcripts: non-coding transcript variant (1).
Genome position (GRCh38, 1-based): chr19:50,413,806, T>C. VCF-style: chr19-50413806-T-C. GRCh37 (hg19) VCF-style: chr19-50917063-T-C.
Other names: c.2315T>C, p.Met772Thr (NM_001256849.1); c.2393T>C, p.Met798Thr (NM_001308632.1); c.2315T>C (NM_002691.2); short protein forms M772T, M798T.
Identifiers: ClinVar variation 2761517 (VCV002761517.4), dbSNP rs2122448903, ClinGen allele CA406984148.